The following is an entry in ClinVar:

NM_001999.4(FBN2):c.255-9C>A

Gene: FBN2 (fibrillin 2; minus strand). Cytogenetic location: 5q23.3.
Variant type: single nucleotide variant.
Coding change: c.255-9C>A on transcript NM_001999.4 (MANE Select); 9 bases into the intron before coding-DNA position 255, C replaced by A.
Molecular consequence: intron variant.
Genome position (GRCh38, 1-based): chr5:128,536,493, G>T on the plus strand (C>A on the coding strand, the complement: FBN2 is on the minus strand). VCF-style: chr5-128536493-G-T. GRCh37 (hg19) VCF-style: chr5-127872186-G-T.
Identifiers: ClinVar variation 3613591 (VCV003613591.2).

ClinVar aggregate classification (germline): Uncertain significance (1 of 4 stars; one submission).

Conditions:
Congenital contractural arachnodactyly (CCA). Also called: Arthrogryposis, distal, type 9; BEALS SYNDROME; Beals-Hecht syndrome. Identifiers: Orphanet 115, MedGen C0220668, MONDO:0007363, OMIM 121050.

gnomAD v4.1: 11 of 1,611,184 alleles (0.00068%); highest among the groups gnomAD compares: Non-Finnish European, 0.00093%; no homozygotes.

Submission:

Labcorp Genetics (formerly Invitae), Labcorp
Classification: Uncertain significance for Congenital contractural arachnodactyly. Last evaluated: 2024-11-29. Review status: criteria provided, single submitter. Criteria: Invitae Variant Classification Sherloc (09022015). Collection method: clinical testing. Allele origin: germline.
Comment: This sequence change falls in intron 1 of the FBN2 gene. It does not directly change the encoded amino acid sequence of the FBN2 protein. This variant is present in population databases (rs755610845, gnomAD 0.002%). This variant has not been reported in the literature in individuals affected with FBN2-related conditions. Algorithms developed to predict the effect of sequence changes on RNA splicing suggest that this variant may disrupt the consensus splice site. In summary, the available evidence is currently insufficient to determine the role of this variant in disease. Therefore, it has been classified as a Variant of Uncertain Significance.